The following is an entry in ClinVar:

ClinVar aggregate classification (germline): Likely pathogenic (1 of 4 stars; one submission).

Conditions:
Cohen syndrome (COH1). Also called: Cutis verticis gyrata, retinitis pigmentosa, and sensorineural deafness; PEPPER SYNDROME. Identifiers: Orphanet 193, MedGen C0265223, MONDO:0008999, OMIM 216550.

Allele frequency attached by ClinVar (database versions not stated): ExAC 0.00001.

Submissions (2):

Labcorp Genetics (formerly Invitae), Labcorp
Classification: Likely pathogenic for Cohen syndrome. Last evaluated: 2023-10-13. Review status: criteria provided, single submitter. Criteria: Invitae Variant Classification Sherloc (09022015). Collection method: clinical testing. Allele origin: germline.
Comment: This sequence change affects an acceptor splice site in intron 48 of the VPS13B gene. It is expected to disrupt RNA splicing. Variants that disrupt the donor or acceptor splice site typically lead to a loss of protein function (PMID: 16199547), and loss-of-function variants in VPS13B are known to be pathogenic (PMID: 15141358, 16648375, 20461111). This variant is present in population databases (rs766409208, gnomAD 0.0009%). This variant has not been reported in the literature in individuals affected with VPS13B-related conditions. Algorithms developed to predict the effect of sequence changes on RNA splicing suggest that this variant may disrupt the consensus splice site. In summary, the currently available evidence indicates that the variant is pathogenic, but additional data are needed to prove that conclusively. Therefore, this variant has been classified as Likely Pathogenic.

Dr. Peter K. Rogan Lab, Western University
No classification provided (evidence only). Condition: Lung cancer. Review status: no classification provided. Collection method: in vitro. Allele origin: not applicable. Functional consequence: skipped exon. Not counted in ClinVar's aggregate classification.

Literature cited by the submitters: PubMed 16199547 (cited by Labcorp Genetics (formerly Invitae), Labcorp); PubMed 15141358 (cited by Labcorp Genetics (formerly Invitae), Labcorp); PubMed 16648375 (cited by Labcorp Genetics (formerly Invitae), Labcorp); PubMed 20461111 (cited by Labcorp Genetics (formerly Invitae), Labcorp).

NM_152564.5(VPS13B):c.8793-2A>G

Gene: VPS13B (vacuolar protein sorting 13 homolog B; plus strand). Cytogenetic location: 8q22.2.
Variant type: single nucleotide variant.
Coding change: c.8793-2A>G on transcript NM_152564.5 (MANE Select); the canonical splice acceptor site of the intron before coding-DNA position 8793, A replaced by G.
Molecular consequence: splice acceptor variant.
Genome position (GRCh38, 1-based): chr8:99,819,919, A>G. VCF-style: chr8-99819919-A-G. GRCh37 (hg19) VCF-style: chr8-100832147-A-G.
Other names: c.8868-2A>G (NM_017890.5).
Identifiers: ClinVar variation 3018120 (VCV003018120.4), dbSNP rs766409208, ClinGen allele CA4824570.
Genomic context (GRCh38, chr8:99,819,919, plus strand): 5'-ATTTCACAAATATTAAAGTTATCATATTTCATTGAGTCTCTTGGATGTGGTTTTTGGAAC[A>G]GGAATGAACAGCTAAGTCAGTGGGATAGCCCAATGCGAGTGAAGCTGTCAATCTGGAAGC-3'